The following is an entry in ClinVar:

NM_001365480.1(CCDC88A):c.1870G>A (p.Gly624Arg)

Gene: CCDC88A (coiled-coil domain containing 88A; minus strand). Cytogenetic location: 2p16.1.
Variant type: single nucleotide variant.
Coding change: c.1870G>A on transcript NM_001365480.1 (MANE Select); coding-DNA position 1870, G replaced by A.
Protein change: p.Gly624Arg; replaces glycine 624 with arginine.
Molecular consequence: missense variant.
Genome position (GRCh38, 1-based): chr2:55,334,951, C>T on the plus strand (G>A on the coding strand, the complement: CCDC88A is on the minus strand). VCF-style: chr2-55334951-C-T. GRCh37 (hg19) VCF-style: chr2-55562087-C-T.
Other names: c.1870G>A, p.Gly624Arg (NM_001135597.2, NM_001254943.2, NM_018084.5); short protein forms G624R.
Identifiers: ClinVar variation 1434917 (VCV001434917.3), dbSNP rs1288197053, ClinGen allele CA346901708.

ClinVar aggregate classification (germline): Uncertain significance (1 of 4 stars; one submission).

Allele frequency attached by ClinVar (database versions not stated): gnomAD exomes below 0.00001.
gnomAD v4.1: 2 of 1,566,464 alleles (0.00013%); highest among the groups gnomAD compares: Non-Finnish European, 0.00017%; no homozygotes.

Submission:

Labcorp Genetics (formerly Invitae), Labcorp
Classification: Uncertain significance. Last evaluated: 2021-08-24. Review status: criteria provided, single submitter. Criteria: Invitae Variant Classification Sherloc (09022015). Collection method: clinical testing. Allele origin: germline.
Comment: This sequence change replaces glycine with arginine at codon 624 of the CCDC88A protein (p.Gly624Arg). The glycine residue is moderately conserved and there is a moderate physicochemical difference between glycine and arginine. This variant is not present in population databases (ExAC no frequency). This variant has not been reported in the literature in individuals affected with CCDC88A-related conditions. Algorithms developed to predict the effect of missense changes on protein structure and function are either unavailable or do not agree on the potential impact of this missense change (SIFT: "Deleterious"; PolyPhen-2: "Probably Damaging"; Align-GVGD: "Class C0"). In summary, the available evidence is currently insufficient to determine the role of this variant in disease. Therefore, it has been classified as a Variant of Uncertain Significance.